The following is an entry in ClinVar:

ClinVar aggregate classification (germline): Uncertain significance (1 of 4 stars; one submission).

Conditions:
Propionic acidemia (PROP). Also called: GLYCINEMIA, KETOTIC; HYPERGLYCINEMIA WITH KETOACIDOSIS AND LEUKOPENIA; KETOTIC HYPERGLYCINEMIA. Identifiers: Orphanet 35, MedGen C0268579, MONDO:0011628, OMIM 606054, HP:0003571.

gnomAD v4.1: 1 of 1,614,108 alleles (0.000062%); highest among the groups gnomAD compares: Middle Eastern, 0.016%; no homozygotes.

Submission:

3billion
Classification: Uncertain significance for Propionic acidemia. Last evaluated: 2024-06-18. Review status: criteria provided, single submitter. Criteria: ACMG Guidelines, 2015. Collection method: clinical testing. Allele origin: germline. Affected: yes.
Comment: The variant is observed at an extremely low frequency in the gnomAD v4.0.0 dataset (total allele frequency: <0.001%). Predicted Consequence/Location: The majority of the known disease-causing variants of this gene are variants expected to result in premature termination of the protein. In silico tool predictions suggest damaging effect of the variant on gene or gene product [REVEL: 0.97 (>=0.6, sensitivity 0.68 and specificity 0.92); 3Cnet: NA (>=0.6, sensitivity 0.72 and precision 0.9)]. A different missense change at the same codon (p.Tyr121Cys) has been reported as pathogenic/likely pathogenic with strong evidence (ClinVar ID: VCV001324852 /PMID: 30274917). Therefore, this variant is classified as VUS according to the recommendation of ACMG/AMP guideline.

Literature cited by the submitters: PubMed 30274917.

NM_000282.4(PCCA):c.362A>C (p.Tyr121Ser)

Gene: PCCA (propionyl-CoA carboxylase subunit alpha; plus strand). Cytogenetic location: 13q32.3.
Variant type: single nucleotide variant.
Coding change: c.362A>C on transcript NM_000282.4 (MANE Select); coding-DNA position 362, A replaced by C.
Protein change: p.Tyr121Ser; replaces tyrosine 121 with serine.
Molecular consequence: missense variant. On other transcripts: 5 prime UTR variant (3), non-coding transcript variant (5).
Genome position (GRCh38, 1-based): chr13:100,155,040, A>C. VCF-style: chr13-100155040-A-C. GRCh37 (hg19) VCF-style: chr13-100807294-A-C.
Other names: c.284A>C, p.Tyr95Ser (NM_001127692.3, NM_001352607.2, NM_001352608.2); c.362A>C, p.Tyr121Ser (NM_001178004.2, NM_001352605.2, NM_001352606.2 and 1 more transcripts); c.-505A>C (NM_001352610.2, NM_001352611.2, NM_001352612.2); short protein forms Y121S, Y95S.
Identifiers: ClinVar variation 4293850 (VCV004293850.1).
Genomic context (GRCh38, chr13:100,155,040, plus strand): 5'-TTCATGTGAAAATGGCGGATGAGGCTGTCTGTGTTGGCCCAGCTCCCACCAGTAAAAGCT[A>C]CCTCAACATGGATGCCATCATGGAAGCCATTAAGAAAACCAGGGCCCAAGCTGTGAGTCT-3'
Protein context (NP_000273.2, residues 111-131): CVGPAPTSKS[Tyr121Ser]LNMDAIMEAI